The following is an entry in ClinVar:

ClinVar aggregate classification (germline): Uncertain significance (1 of 4 stars; one submission).

Conditions:
Idiopathic Pulmonary Fibrosis. Also called: Idiopathic fibrosing alveolitis, chronic form; idiopathic fibrosing alveolitis. Identifiers: Orphanet 2032, MedGen C1800706, MeSH D054990, MONDO:0800504.
Dyskeratosis congenita, autosomal dominant 2. Identifiers: MedGen C3151443, MONDO:0013521, OMIM 613989.

gnomAD v4.1: 4 of 1,614,024 alleles (0.00025%); highest among the groups gnomAD compares: Non-Finnish European, 0.00034%; no homozygotes.

Submission:

Labcorp Genetics (formerly Invitae), Labcorp
Classification: Uncertain significance for Dyskeratosis congenita, autosomal dominant 2; Idiopathic Pulmonary Fibrosis. Last evaluated: 2024-04-05. Review status: criteria provided, single submitter. Criteria: Invitae Variant Classification Sherloc (09022015). Collection method: clinical testing. Allele origin: germline.
Comment: This sequence change replaces arginine, which is basic and polar, with serine, which is neutral and polar, at codon 962 of the TERT protein (p.Arg962Ser). This variant is not present in population databases (gnomAD no frequency). This variant has not been reported in the literature in individuals affected with TERT-related conditions. ClinVar contains an entry for this variant (Variation ID: 1402834). Advanced modeling of protein sequence and biophysical properties (such as structural, functional, and spatial information, amino acid conservation, physicochemical variation, residue mobility, and thermodynamic stability) performed at Invitae indicates that this missense variant is not expected to disrupt TERT protein function with a negative predictive value of 80%. In summary, the available evidence is currently insufficient to determine the role of this variant in disease. Therefore, it has been classified as a Variant of Uncertain Significance.

NM_198253.3(TERT):c.2884C>A (p.Arg962Ser)

Gene: TERT (telomerase reverse transcriptase; minus strand). Cytogenetic location: 5p15.33.
Variant type: single nucleotide variant.
Coding change: c.2884C>A on transcript NM_198253.3 (MANE Select); coding-DNA position 2884, C replaced by A.
Protein change: p.Arg962Ser; replaces arginine 962 with serine.
Molecular consequence: missense variant. On other transcripts: non-coding transcript variant (2).
Genome position (GRCh38, 1-based): chr5:1,260,560, G>T on the plus strand (C>A on the coding strand, the complement: TERT is on the minus strand). VCF-style: chr5-1260560-G-T. GRCh37 (hg19) VCF-style: chr5-1260675-G-T.
Other names: c.2695C>A, p.Arg899Ser (NM_001193376.3); short protein forms R962S, R899S.
Identifiers: ClinVar variation 1402834 (VCV001402834.8), dbSNP rs144697790, ClinGen allele CA359070277.